The following is an entry in ClinVar:

NM_003114.5(SPAG1):c.237dup (p.Pro80fs)

Gene: SPAG1 (sperm associated antigen 1; plus strand). Cytogenetic location: 8q22.2.
Variant type: Duplication.
Coding change: c.237dup on transcript NM_003114.5 (MANE Select); coding-DNA position 237, one base duplicated (A; older notation c.237dupA).
Protein change: p.Pro80fs; shifts the reading frame from proline 80.
Molecular consequence: frameshift variant.
Genome position (GRCh38, 1-based): chr8:100,165,910, A duplicated; the last of 3 consecutive A bases (chr8:100,165,908-100,165,910); duplicating any one gives the same sequence. VCF-style (leftmost placement, unchanged base first): chr8-100165907-T-TA. GRCh37 (hg19) VCF-style: chr8-101178135-T-TA.
Other names: c.237dup, p.Pro80fs (NM_001374321.1, NM_172218.3); short protein forms P80fs.
Identifiers: ClinVar variation 2102695 (VCV002102695.5), dbSNP rs886754008, ClinGen allele CA182402765.

ClinVar aggregate classification (germline): Pathogenic/Likely pathogenic. Review status: criteria provided, multiple submitters, no conflicts (2 of 4 stars). 2 submissions from 2 submitters: Pathogenic (1); Likely pathogenic (1). Last evaluated 2025-10-09.

Conditions:
SPAG1-related disorder. Also called: SPAG1-related condition.
Primary ciliary dyskinesia 28. Also called: CILIARY DYSKINESIA, PRIMARY, 28, WITH OR WITHOUT SITUS INVERSUS. Identifiers: Orphanet 244, MedGen C3809706, MONDO:0014216, OMIM 615505.

Submissions (2):

Labcorp Genetics (formerly Invitae), Labcorp
Classification: Pathogenic for Primary ciliary dyskinesia 28. Last evaluated: 2025-10-09. Review status: criteria provided, single submitter. Criteria: Invitae Variant Classification Sherloc (09022015). Collection method: clinical testing. Allele origin: germline.
Comment: This sequence change creates a premature translational stop signal (p.Pro80Thrfs*11) in the SPAG1 gene. It is expected to result in an absent or disrupted protein product. Loss-of-function variants in SPAG1 are known to be pathogenic (PMID: 24055112). This variant is present in population databases (no rsID available, gnomAD 0.007%). This variant has not been reported in the literature in individuals affected with SPAG1-related conditions. ClinVar contains an entry for this variant (Variation ID: 2102695). For these reasons, this variant has been classified as Pathogenic.

Blueprint Genetics
Classification: Likely pathogenic for SPAG1-related disorders. Last evaluated: 2022-03-28. Review status: criteria provided, single submitter. Criteria: ACMG Guidelines, 2015. Collection method: clinical testing. Allele origin: germline. Affected: yes. Observed: 1 variant allele.

Literature cited by the submitters: PubMed 24055112 (cited by Labcorp Genetics (formerly Invitae), Labcorp).